The following is an entry in ClinVar:

ClinVar aggregate classification (germline): Uncertain significance. Review status: criteria provided, multiple submitters, no conflicts (2 of 4 stars). 2 submissions from 2 submitters: Uncertain significance (2). Last evaluated 2024-03-28.

Conditions:
Hereditary cancer-predisposing syndrome. Also called: Hereditary Cancer Syndrome; Hereditary neoplastic syndrome; Neoplastic Syndromes, Hereditary; Tumor predisposition. Identifiers: Orphanet 140162, MedGen C0027672, MeSH D009386, MONDO:0015356.

Submissions (2):

Blueprint Genetics
Classification: Uncertain significance. Last evaluated: 2024-03-28. Review status: criteria provided, single submitter. Criteria: ACMG Guidelines, 2015. Collection method: clinical testing. Allele origin: germline.

Ambry Genetics
Classification: Uncertain significance for Hereditary cancer-predisposing syndrome. Last evaluated: 2022-08-28. Review status: criteria provided, single submitter. Criteria: Ambry Variant Classification Scheme 2023. Collection method: clinical testing. Allele origin: germline.
Comment: The p.D136V variant (also known as c.407A>T), located in coding exon 5 of the RAD51D gene, results from an A to T substitution at nucleotide position 407. The aspartic acid at codon 136 is replaced by valine, an amino acid with highly dissimilar properties. This amino acid position is conserved. In addition, this alteration is predicted to be deleterious by in silico analysis. Since supporting evidence is limited at this time, the clinical significance of this alteration remains unclear.

NM_002878.4(RAD51D):c.407A>T (p.Asp136Val)

Genes: RAD51D (RAD51 paralog D; minus strand), RAD51L3-RFFL (RAD51L3-RFFL readthrough; minus strand). Cytogenetic location: 17q12.
Variant type: single nucleotide variant.
Coding change: c.407A>T on transcript NM_002878.4 (MANE Select); coding-DNA position 407, A replaced by T.
Protein change: p.Asp136Val; replaces aspartic acid 136 with valine.
Molecular consequence: missense variant. On other transcripts: non-coding transcript variant (1), intron variant (1).
Genome position (GRCh38, 1-based): chr17:35,107,061, T>A on the plus strand (A>T on the coding strand, the complement: RAD51D is on the minus strand). VCF-style: chr17-35107061-T-A. GRCh37 (hg19) VCF-style: chr17-33434080-T-A.
Other names: c.467A>T, p.Asp156Val (NM_001142571.2); c.145-580A>T (NM_133629.3); short protein forms D136V, D156V.
Identifiers: ClinVar variation 1737605 (VCV001737605.3), dbSNP rs768197423, ClinGen allele CA399089283.